The following is an entry in ClinVar:

NM_015178.3(RHOBTB2):c.1879C>T (p.Leu627=)

Gene: RHOBTB2 (Rho related BTB domain containing 2; plus strand). Cytogenetic location: 8p21.3.
Variant type: single nucleotide variant.
Coding change: c.1879C>T on transcript NM_015178.3 (MANE Select); coding-DNA position 1879, C replaced by T.
Protein change: p.Leu627=; no amino-acid change (leucine 627 retained).
Molecular consequence: synonymous variant.
Genome position (GRCh38, 1-based): chr8:23,015,656, C>T. VCF-style: chr8-23015656-C-T. GRCh37 (hg19) VCF-style: chr8-22873169-C-T.
Other names: c.1945C>T, p.Leu649= (NM_001160036.2); c.1900C>T, p.Leu634= (NM_001160037.2); c.1879C>T, p.Leu627= (NM_001374791.1).
Identifiers: ClinVar variation 4873550 (VCV004873550.2).

ClinVar aggregate classification (germline): Likely benign (1 of 4 stars; one submission).

Submission:

CeGaT Center for Human Genetics Tuebingen
Classification: Likely benign. Last evaluated: 2026-05-01. Review status: criteria provided, single submitter. Criteria: CeGaT Center For Human Genetics Tuebingen Variant Classification Criteria Version 2. Collection method: clinical testing. Allele origin: germline. Affected: yes. Observed: 1 variant allele.
Comment: RHOBTB2: PM2:Supporting, BP4, BP7